The following is an entry in ClinVar:

NM_022124.6(CDH23):c.9498del (p.Thr3167fs)

Gene: CDH23 (cadherin related 23; plus strand). Cytogenetic location: 10q22.1.
Variant type: Deletion.
Coding change: c.9498del on transcript NM_022124.6 (MANE Select); coding-DNA position 9498, one base deleted (C; older notation c.9498delC).
Protein change: p.Thr3167fs; shifts the reading frame from threonine 3167.
Molecular consequence: frameshift variant.
Genome position (GRCh38, 1-based): chr10:71,812,597, C deleted; the last of 4 consecutive C bases (chr10:71,812,594-71,812,597); deleting any one gives the same sequence. VCF-style (leftmost placement, unchanged base first): chr10-71812593-GC-G. GRCh37 (hg19) VCF-style: chr10-73572350-GC-G.
Other names: c.2778del, p.Thr927fs (NM_001171933.1, NM_001171934.1); c.189del, p.Thr64fs (NM_001171935.1, NM_001171936.1); short protein forms T3167fs, T64fs, T927fs.
Identifiers: ClinVar variation 3601764 (VCV003601764.1).
Genomic context (GRCh38, chr10:71,812,593, plus strand): 5'-AGGCGGAGCATGAGGATGACCTACCGGAGAACCTGAGTGAGATCGCCGACCTGTGGAACA[GC>G]CCCACGCGCACCCATGTGAGCCAGAGGCGGTCAGGCATCACAAGGGGCAGGGGTGGAGGG-3'

ClinVar aggregate classification (germline): Likely pathogenic (1 of 4 stars; one submission).

Conditions:
Autosomal recessive nonsyndromic hearing loss 12. Also called: DEAFNESS, AUTOSOMAL RECESSIVE 12. Identifiers: Orphanet 90636, MedGen C1832394, MONDO:0011067, OMIM 601386.

Submission:

Institute of Rare Diseases, West China Hospital, Sichuan University
Classification: Likely pathogenic for Autosomal recessive nonsyndromic hearing loss 12. Last evaluated: 2025-01-09. Review status: criteria provided, single submitter. Criteria: ClinGen HL ACMG Specifications v1. Collection method: research. Allele origin: germline. Affected: yes.
Comment: PVS1;PM2_Supporting